The following is an entry in ClinVar:

ClinVar aggregate classification (germline): Uncertain significance. Review status: criteria provided, multiple submitters, no conflicts (2 of 4 stars). 2 submissions from 2 submitters: Uncertain significance (2). Last evaluated 2025-06-24.

Conditions:
Multiple endocrine neoplasia type 4. Also called: MULTIPLE ENDOCRINE NEOPLASIA, TYPE IV. Identifiers: Orphanet 276152, MedGen C1970712, MONDO:0012552, OMIM 610755.
Hereditary cancer-predisposing syndrome. Also called: Neoplastic Syndromes, Hereditary; Hereditary Cancer Syndrome; Hereditary neoplastic syndrome; Tumor predisposition. Identifiers: Orphanet 140162, MedGen C0027672, MeSH D009386, MONDO:0015356.

Submissions (2):

Ambry Genetics
Classification: Uncertain significance for Hereditary cancer-predisposing syndrome. Last evaluated: 2025-06-24. Review status: criteria provided, single submitter. Criteria: Ambry Variant Classification Scheme 2023. Collection method: clinical testing. Allele origin: germline.
Comment: The c.445_446delGC variant, located in coding exon 1 of the CDKN1B gene, results from a deletion of two nucleotides at nucleotide positions 445 to 446, causing a translational frameshift with a predicted alternate stop codon (p.A149Rfs*55). This alteration occurs at the 3' terminus of theCDKN1B gene, is not expected to trigger nonsense-mediated mRNAdecay and results in the elongation of the protein by three amino acids. This frameshift impacts the last 50amino acids of the native protein. The exact functional effect of the altered amino acids is unknown. Based on the available evidence, the clinical significance of this variant remains unclear.

Labcorp Genetics (formerly Invitae), Labcorp
Classification: Uncertain significance for Multiple endocrine neoplasia type 4. Last evaluated: 2025-02-04. Review status: criteria provided, single submitter. Criteria: Invitae Variant Classification Sherloc (09022015). Collection method: clinical testing. Allele origin: germline.
Comment: This sequence change results in a frameshift in the CDKN1B gene (p.Ala149Argfs*55). While this is not anticipated to result in nonsense mediated decay, it is expected to disrupt the last 50 amino acid(s) of the CDKN1B protein and extend the protein by 4 additional amino acid residues. This variant is present in population databases (no rsID available, gnomAD 0.0009%). This variant has not been reported in the literature in individuals affected with CDKN1B-related conditions. ClinVar contains an entry for this variant (Variation ID: 850574). Experimental studies and prediction algorithms are not available or were not evaluated, and the functional significance of this variant is currently unknown. In summary, the available evidence is currently insufficient to determine the role of this variant in disease. Therefore, it has been classified as a Variant of Uncertain Significance.

NM_004064.5(CDKN1B):c.445_446del (p.Ala149fs)

Gene: CDKN1B (cyclin dependent kinase inhibitor 1B; plus strand). Cytogenetic location: 12p13.1.
Variant type: Microsatellite.
Coding change: c.445_446del on transcript NM_004064.5 (MANE Select); coding-DNA positions 445 to 446, 2 bases deleted (GC; older notation c.445_446delGC).
Protein change: p.Ala149fs; shifts the reading frame from alanine 149.
Molecular consequence: frameshift variant.
Genome position (GRCh38, 1-based): chr12:12,718,284-12,718,285, GC deleted; deleting any 2 consecutive bases within chr12:12,718,282-12,718,285 gives the same sequence; the c. name uses the placement nearest the transcript's 3' end. VCF-style (leftmost placement, unchanged base first): chr12-12718281-TGC-T. GRCh37 (hg19) VCF-style: chr12-12871215-TGC-T.
Other names: short protein forms A149fs.
Identifiers: ClinVar variation 850574 (VCV000850574.11), dbSNP rs1565419676, ClinGen allele CA603494650.